The following is an entry in ClinVar:

NM_006267.5(RANBP2):c.6830C>T (p.Pro2277Leu)

Gene: RANBP2 (RAN binding protein 2; plus strand). Cytogenetic location: 2q13.
Variant type: single nucleotide variant.
Coding change: c.6830C>T on transcript NM_006267.5 (MANE Select); coding-DNA position 6830, C replaced by T.
Protein change: p.Pro2277Leu; replaces proline 2277 with leucine.
Molecular consequence: missense variant.
Genome position (GRCh38, 1-based): chr2:108,767,369, C>T. VCF-style: chr2-108767369-C-T. GRCh37 (hg19) VCF-style: chr2-109383825-C-T.
Other names: short protein forms P2277L.
Identifiers: ClinVar variation 1047577 (VCV001047577.7), dbSNP rs2433707, ClinGen allele CA1823498.

ClinVar aggregate classification (germline): Uncertain significance (1 of 4 stars; one submission).

Conditions:
Familial acute necrotizing encephalopathy (IIAE3). Also called: ENCEPHALOPATHY, ACUTE, INFECTION-INDUCED, SUSCEPTIBILITY TO, 3; Susceptibility to Acute Necrotizing Encephalopathy 1. Identifiers: Orphanet 88619, MedGen C2675556, MONDO:0011953, OMIM 608033.

Allele frequency attached by ClinVar (database versions not stated): TOPMed below 0.00001; ExAC 0.00001; gnomAD exomes 0.00001.
gnomAD v4.1: 6 of 1,611,980 alleles (0.00037%); highest among the groups gnomAD compares: South Asian, 0.0022%; no homozygotes.

Submission:

Labcorp Genetics (formerly Invitae), Labcorp
Classification: Uncertain significance for Familial acute necrotizing encephalopathy. Last evaluated: 2022-11-08. Review status: criteria provided, single submitter. Criteria: Invitae Variant Classification Sherloc (09022015). Collection method: clinical testing. Allele origin: germline.
Comment: This sequence change replaces proline, which is neutral and non-polar, with leucine, which is neutral and non-polar, at codon 2277 of the RANBP2 protein (p.Pro2277Leu). The frequency data for this variant in the population databases is considered unreliable, as metrics indicate poor data quality at this position in the gnomAD database. This variant has not been reported in the literature in individuals affected with RANBP2-related conditions. ClinVar contains an entry for this variant (Variation ID: 1047577). Advanced modeling of protein sequence and biophysical properties (such as structural, functional, and spatial information, amino acid conservation, physicochemical variation, residue mobility, and thermodynamic stability) performed at Invitae indicates that this missense variant is not expected to disrupt RANBP2 protein function. In summary, the available evidence is currently insufficient to determine the role of this variant in disease. Therefore, it has been classified as a Variant of Uncertain Significance.